The following is an entry in ClinVar:

NM_000130.5(F5):c.*1115C>T

Gene: F5 (coagulation factor V; minus strand). Cytogenetic location: 1q24.2.
Variant type: single nucleotide variant.
Coding change: c.*1115C>T on transcript NM_000130.5 (MANE Select); 1115 bases downstream of the stop codon, C replaced by T.
Molecular consequence: 3 prime UTR variant.
Genome position (GRCh38, 1-based): chr1:169,513,198, G>A on the plus strand (C>T on the coding strand, the complement: F5 is on the minus strand). VCF-style: chr1-169513198-G-A. GRCh37 (hg19) VCF-style: chr1-169482436-G-A.
Identifiers: ClinVar variation 293554 (VCV000293554.6), dbSNP rs2040444, ClinGen allele CA10608691.

ClinVar aggregate classification (germline): Benign. Review status: criteria provided, single submitter (1 of 4 stars). 3 submissions from 1 submitter: Benign (3). Last evaluated 2018-01-12.

Conditions:
Thrombophilia due to thrombin defect (THPH1). Also called: Thrombosis susceptibility; THROMBOPHILIA DUE TO FACTOR 2 DEFECT; Prothrombin-Related Thrombophilia (Factor II); Prothrombin Thrombophilia. Identifiers: MedGen C3160733, MONDO:0008559, OMIM 188050. Disease mechanism: gain of function, loss of function.
Budd-Chiari syndrome (BDCHS). Also called: Hepatic vein obstruction. Identifiers: Orphanet 131, MedGen C0856761, MONDO:0010947, OMIM 600880, HP:0002639.
Factor V deficiency. Also called: Reduced coagulation factor V activity. Identifiers: Orphanet 326, MedGen C4317320, MONDO:0020586, HP:0003225.

Allele frequency attached by ClinVar (database versions not stated): TOPMed 0.46774; 1000 Genomes Project 30x 0.47345; 1000 Genomes Project 0.47744; gnomAD 0.48344 and 0.48430.
gnomAD v4.1: 73,623 of 151,718 alleles (49%); highest among the groups gnomAD compares: East Asian, 67%; 18,458 homozygotes.

Submissions (3):

Illumina Laboratory Services, Illumina
Classification: Benign for Budd-Chiari syndrome. Last evaluated: 2018-01-12. Review status: criteria provided, single submitter. Criteria: ICSL Variant Classification Criteria 13 December 2019. Collection method: clinical testing. Allele origin: germline.
Comment: This variant was observed in the ICSL laboratory as part of a predisposition screen in an ostensibly healthy population. It had not been previously curated by ICSL or reported in the Human Gene Mutation Database (HGMD: prior to June 1st, 2018), and was therefore a candidate for classification through an automated scoring system. Utilizing variant allele frequency, disease prevalence and penetrance estimates, and inheritance mode, an automated score was calculated to assess if this variant is too frequent to cause the disease. Based on the score and internal cut-off values, a variant classified as benign is not then subjected to further curation. The score for this variant resulted in a classification of benign for this disease.

Illumina Laboratory Services, Illumina
Classification: Benign for Congenital factor V deficiency. Last evaluated: 2018-01-12. Review status: criteria provided, single submitter. Criteria: ICSL Variant Classification Criteria 13 December 2019. Collection method: clinical testing. Allele origin: germline.
Comment: the same text as in the submission from Illumina Laboratory Services, Illumina above.

Illumina Laboratory Services, Illumina
Classification: Benign for Venous thrombosis. Last evaluated: 2018-01-12. Review status: criteria provided, single submitter. Criteria: ICSL Variant Classification Criteria 13 December 2019. Collection method: clinical testing. Allele origin: germline.
Comment: the same text as in the submission from Illumina Laboratory Services, Illumina above.